The following is an entry in ClinVar:

NM_004370.6(COL12A1):c.785G>A (p.Arg262Lys)

Gene: COL12A1 (collagen type XII alpha 1 chain; minus strand). Cytogenetic location: 6q13.
Variant type: single nucleotide variant.
Coding change: c.785G>A on transcript NM_004370.6 (MANE Select); coding-DNA position 785, G replaced by A.
Protein change: p.Arg262Lys; replaces arginine 262 with lysine.
Molecular consequence: missense variant. On other transcripts: intron variant (1).
Genome position (GRCh38, 1-based): chr6:75,189,255, C>T on the plus strand (G>A on the coding strand, the complement: COL12A1 is on the minus strand). VCF-style: chr6-75189255-C-T. GRCh37 (hg19) VCF-style: chr6-75898971-C-T.
Other names: c.73+13465G>A (NM_080645.3); short protein forms R262K.
Identifiers: ClinVar variation 475896 (VCV000475896.10), dbSNP rs1554188366, ClinGen allele CA364727861.

ClinVar aggregate classification (germline): Uncertain significance. Review status: criteria provided, multiple submitters, no conflicts (2 of 4 stars). 2 submissions from 2 submitters: Uncertain significance (2). Last evaluated 2025-04-28.

Conditions:
Ullrich congenital muscular dystrophy 2 (UCMD2). Identifiers: Orphanet 75840, MedGen C4225314, MONDO:0014654, OMIM 616470.
Bethlem myopathy 2 (BTHLM2). Identifiers: Orphanet 536516, Orphanet 610, MedGen C4225313, MONDO:0034022, OMIM 616471.

Allele frequency attached by ClinVar (database versions not stated): gnomAD exomes 0.00001.

Submissions (2):

Labcorp Genetics (formerly Invitae), Labcorp
Classification: Uncertain significance for Bethlem myopathy 2; Ullrich congenital muscular dystrophy 2. Last evaluated: 2025-04-28. Review status: criteria provided, single submitter. Criteria: Invitae Variant Classification Sherloc (09022015). Collection method: clinical testing. Allele origin: germline.
Comment: This sequence change replaces arginine, which is basic and polar, with lysine, which is basic and polar, at codon 262 of the COL12A1 protein (p.Arg262Lys). This variant is not present in population databases (gnomAD no frequency). This variant has not been reported in the literature in individuals affected with COL12A1-related conditions. ClinVar contains an entry for this variant (Variation ID: 475896). Invitae Evidence Modeling of protein sequence and biophysical properties (such as structural, functional, and spatial information, amino acid conservation, physicochemical variation, residue mobility, and thermodynamic stability) indicates that this missense variant is not expected to disrupt COL12A1 protein function with a negative predictive value of 80%. In summary, the available evidence is currently insufficient to determine the role of this variant in disease. Therefore, it has been classified as a Variant of Uncertain Significance.

Breakthrough Genomics
Classification: Uncertain significance. Review status: criteria provided, single submitter. Criteria: ACMG Guidelines, 2015. Collection method: not provided. Allele origin: germline. Inheritance: Autosomal recessive inheritance. Affected: yes.